The following is an entry in ClinVar:

ClinVar aggregate classification (germline): Benign (1 of 4 stars; one submission).

Allele frequency attached by ClinVar (database versions not stated): gnomAD 0.04970 and 0.05240; TOPMed 0.05306; 1000 Genomes Project 30x 0.07261; 1000 Genomes Project 0.07268.
gnomAD v4.1: 8,007 of 151,856 alleles (5.3%); highest among the groups gnomAD compares: South Asian, 11%; 256 homozygotes.

Submission:

GeneDx
Classification: Benign. Last evaluated: 2018-06-14. Review status: criteria provided, single submitter. Criteria: GeneDx Variant Classification (06012015). Collection method: clinical testing. Allele origin: germline. Affected: yes.
Comment: This variant is considered likely benign or benign based on one or more of the following criteria: it is a conservative change, it occurs at a poorly conserved position in the protein, it is predicted to be benign by multiple in silico algorithms, and/or has population frequency not consistent with disease.

NM_005045.4(RELN):c.9443+264G>A

Genes: RELN (reelin; minus strand), SLC26A5-AS1 (SLC26A5 antisense RNA 1; plus strand). Cytogenetic location: 7q22.1.
Variant type: single nucleotide variant.
Coding change: c.9443+264G>A on transcript NM_005045.4 (MANE Select); 264 bases into the intron after coding-DNA position 9443, G replaced by A.
Molecular consequence: intron variant.
Genome position (GRCh38, 1-based): chr7:103,491,689, C>T on the plus strand (G>A on the coding strand, the complement: RELN is on the minus strand). VCF-style: chr7-103491689-C-T. GRCh37 (hg19) VCF-style: chr7-103132136-C-T.
Other names: c.9443+264G>A (NM_173054.3).
Identifiers: ClinVar variation 670930 (VCV000670930.1), dbSNP rs78785667, ClinGen allele CA163905435.